The following is an entry in ClinVar:

ClinVar aggregate classification (germline): Uncertain significance. Review status: criteria provided, multiple submitters, no conflicts (2 of 4 stars). 4 submissions from 4 submitters: Uncertain significance (4). Last evaluated 2023-08-08.

Conditions:
Alstrom syndrome (ALMS). Identifiers: Orphanet 64, MedGen C0268425, MONDO:0008763, OMIM 203800.
Cardiovascular phenotype. Identifiers: MedGen CN230736.

Allele frequency attached by ClinVar (database versions not stated): gnomAD exomes below 0.00001; TOPMed below 0.00001; gnomAD 0.00001.
gnomAD v4.1: 6 of 1,614,060 alleles (0.00037%); highest among the groups gnomAD compares: Middle Eastern, 0.016%; no homozygotes.

Submissions (4):

Ambry Genetics
Classification: Uncertain significance for Cardiovascular phenotype. Last evaluated: 2023-08-08. Review status: criteria provided, single submitter. Criteria: Ambry Variant Classification Scheme 2023. Collection method: clinical testing. Allele origin: germline.
Comment: The p.K3397E variant (also known as c.10189A>G), located in coding exon 14 of the ALMS1 gene, results from an A to G substitution at nucleotide position 10189. The lysine at codon 3397 is replaced by glutamic acid, an amino acid with similar properties. This amino acid position is not well conserved in available vertebrate species. In addition, this alteration is predicted to be tolerated by in silico analysis. Since supporting evidence is limited at this time, the clinical significance of this alteration remains unclear.

Labcorp Genetics (formerly Invitae), Labcorp
Classification: Uncertain significance for Alstrom syndrome. Last evaluated: 2022-03-08. Review status: criteria provided, single submitter. Criteria: Invitae Variant Classification Sherloc (09022015). Collection method: clinical testing. Allele origin: germline.
Comment: This sequence change replaces lysine, which is basic and polar, with glutamic acid, which is acidic and polar, at codon 3397 of the ALMS1 protein (p.Lys3397Glu). This variant is present in population databases (no rsID available, gnomAD 0.004%). This variant has not been reported in the literature in individuals affected with ALMS1-related conditions. Algorithms developed to predict the effect of missense changes on protein structure and function output the following: SIFT: "Not Available"; PolyPhen-2: "Not Available"; Align-GVGD: "Not Available". The glutamic acid amino acid residue is found in multiple mammalian species, which suggests that this missense change does not adversely affect protein function. In summary, the available evidence is currently insufficient to determine the role of this variant in disease. Therefore, it has been classified as a Variant of Uncertain Significance.

Fulgent Genetics
Classification: Uncertain significance for Alstrom syndrome. Last evaluated: 2021-07-15. Review status: criteria provided, single submitter. Criteria: ACMG Guidelines, 2015. Collection method: clinical testing. Allele origin: unknown.

Breakthrough Genomics
Classification: Uncertain significance. Review status: criteria provided, single submitter. Criteria: ACMG Guidelines, 2015. Collection method: not provided. Allele origin: germline. Inheritance: Autosomal recessive inheritance. Affected: yes.

NM_001378454.1(ALMS1):c.10186A>G (p.Lys3396Glu)

Gene: ALMS1 (ALMS1 centrosome and basal body associated protein; plus strand). Cytogenetic location: 2p13.1.
Variant type: single nucleotide variant.
Coding change: c.10186A>G on transcript NM_001378454.1 (MANE Select); coding-DNA position 10186, A replaced by G.
Protein change: p.Lys3396Glu; replaces lysine 3396 with glutamic acid.
Molecular consequence: missense variant.
Genome position (GRCh38, 1-based): chr2:73,557,327, A>G. VCF-style: chr2-73557327-A-G. GRCh37 (hg19) VCF-style: chr2-73784454-A-G.
Other names: c.10189A>G, p.Lys3397Glu (NM_015120.4); short protein forms K3396E, K3397E.
Identifiers: ClinVar variation 1414092 (VCV001414092.6), dbSNP rs1473998334, ClinGen allele CA347276781.
Genomic context (GRCh38, chr2:73,557,327, plus strand): 5'-AAAAAACAGCAAGAGATTCACAGTACAAGGGCAGTGACTGAGGCTGCCCAGGCTAAAGAA[A>G]AAGAATCTTTGCAGAAAGATACTGCAGGTAGCTAAACTGGATTGTCTGCGTATTATTTTC-3'
Protein context (NP_001365383.1, residues 3386-3406): AVTEAAQAKE[Lys3396Glu]ESLQKDTADS